The following is an entry in ClinVar:

ClinVar aggregate classification (germline): Uncertain significance. Review status: criteria provided, multiple submitters, no conflicts (2 of 4 stars). 2 submissions from 2 submitters: Uncertain significance (2). Last evaluated 2024-06-03.

Conditions:
Glycine encephalopathy. Also called: Non-ketotic hyperglycinemia; Nonketotic hyperglycinemia. Identifiers: Orphanet 407, MedGen C0751748, MONDO:0011612, HP:0008288.

Allele frequency attached by ClinVar (database versions not stated): gnomAD 0.00001; gnomAD exomes 0.00001; TOPMed 0.00001.

Submissions (2):

Labcorp Genetics (formerly Invitae), Labcorp
Classification: Uncertain significance for Glycine encephalopathy. Last evaluated: 2024-06-03. Review status: criteria provided, single submitter. Criteria: Invitae Variant Classification Sherloc (09022015). Collection method: clinical testing. Allele origin: germline.
Comment: This sequence change replaces glutamine, which is neutral and polar, with proline, which is neutral and non-polar, at codon 189 of the AMT protein (p.Gln189Pro). This variant is present in population databases (no rsID available, gnomAD 0.0009%). This variant has not been reported in the literature in individuals affected with AMT-related conditions. ClinVar contains an entry for this variant (Variation ID: 1416033). Advanced modeling of protein sequence and biophysical properties (such as structural, functional, and spatial information, amino acid conservation, physicochemical variation, residue mobility, and thermodynamic stability) has been performed at Invitae for this missense variant, however the output from this modeling did not meet the statistical confidence thresholds required to predict the impact of this variant on AMT protein function. Algorithms developed to predict the effect of sequence changes on RNA splicing suggest that this variant may create or strengthen a splice site. In summary, the available evidence is currently insufficient to determine the role of this variant in disease. Therefore, it has been classified as a Variant of Uncertain Significance.

Blueprint Genetics
Classification: Uncertain significance. Last evaluated: 2023-04-26. Review status: criteria provided, single submitter. Criteria: ACMG Guidelines, 2015. Collection method: clinical testing. Allele origin: germline.

NM_000481.4(AMT):c.566A>C (p.Gln189Pro)

Gene: AMT (aminomethyltransferase; minus strand). Cytogenetic location: 3p21.31.
Variant type: single nucleotide variant.
Coding change: c.566A>C on transcript NM_000481.4 (MANE Select); coding-DNA position 566, A replaced by C.
Protein change: p.Gln189Pro; replaces glutamine 189 with proline.
Molecular consequence: missense variant. On other transcripts: non-coding transcript variant (1).
Genome position (GRCh38, 1-based): chr3:49,419,390, T>G on the plus strand (A>C on the coding strand, the complement: AMT is on the minus strand). VCF-style: chr3-49419390-T-G. GRCh37 (hg19) VCF-style: chr3-49456823-T-G.
Other names: c.434A>C, p.Gln145Pro (NM_001164710.2); c.398A>C, p.Gln133Pro (NM_001164711.2); c.566A>C, p.Gln189Pro (NM_001164712.2); short protein forms Q189P, Q145P, Q133P.
Identifiers: ClinVar variation 1416033 (VCV001416033.6), dbSNP rs1371408104, ClinGen allele CA352790307.